The following is an entry in ClinVar:

ClinVar aggregate classification (germline): Uncertain significance (1 of 4 stars; one submission).

Submission:

Labcorp Genetics (formerly Invitae), Labcorp
Classification: Uncertain significance. Last evaluated: 2025-02-10. Review status: criteria provided, single submitter. Criteria: Invitae Variant Classification Sherloc (09022015). Collection method: clinical testing. Allele origin: germline.
Comment: This sequence change replaces aspartic acid, which is acidic and polar, with alanine, which is neutral and non-polar, at codon 134 of the GUCY2C protein (p.Asp134Ala). This variant is not present in population databases (gnomAD no frequency). This variant has not been reported in the literature in individuals affected with GUCY2C-related conditions. Invitae Evidence Modeling of protein sequence and biophysical properties (such as structural, functional, and spatial information, amino acid conservation, physicochemical variation, residue mobility, and thermodynamic stability) indicates that this missense variant is not expected to disrupt GUCY2C protein function with a negative predictive value of 80%. In summary, the available evidence is currently insufficient to determine the role of this variant in disease. Therefore, it has been classified as a Variant of Uncertain Significance.

NM_004963.4(GUCY2C):c.401A>C (p.Asp134Ala)

Genes: GUCY2C (guanylate cyclase 2C; minus strand), GUCY2C-AS1 (GUCY2C antisense RNA 1; plus strand). Cytogenetic location: 12p12.3.
Variant type: single nucleotide variant.
Coding change: c.401A>C on transcript NM_004963.4 (MANE Select); coding-DNA position 401, A replaced by C.
Protein change: p.Asp134Ala; replaces aspartic acid 134 with alanine.
Molecular consequence: missense variant.
Genome position (GRCh38, 1-based): chr12:14,683,252, T>G on the plus strand (A>C on the coding strand, the complement: GUCY2C is on the minus strand). VCF-style: chr12-14683252-T-G. GRCh37 (hg19) VCF-style: chr12-14836186-T-G.
Other names: short protein forms D134A.
Identifiers: ClinVar variation 4740685 (VCV004740685.1).
Genomic context (GRCh38, chr12:14,683,252, plus strand): 5'-TTATAGTCACATGACAATCCAAAACTTCCAGCTGAGATCATGGGGTAGCTCAATTCTGTG[T>G]CAAGGCTATGTCAAGAGGTTGAGGAAAAAAGCCATTATCAGTATTAACTTAAGTAGCACA-3'
Protein context (NP_004954.2, residues 124-144): CTYSTFQMYL[Asp134Ala]TELSYPMISA